The following is an entry in ClinVar:

NM_004304.5(ALK):c.2978A>T (p.Asp993Val)

Gene: ALK (ALK receptor tyrosine kinase; minus strand). Cytogenetic location: 2p23.2.
Variant type: single nucleotide variant.
Coding change: c.2978A>T on transcript NM_004304.5 (MANE Select); coding-DNA position 2978, A replaced by T.
Protein change: p.Asp993Val; replaces aspartic acid 993 with valine.
Molecular consequence: missense variant.
Genome position (GRCh38, 1-based): chr2:29,227,011, T>A on the plus strand (A>T on the coding strand, the complement: ALK is on the minus strand). VCF-style: chr2-29227011-T-A. GRCh37 (hg19) VCF-style: chr2-29449877-T-A.
Other names: short protein forms D993V.
Identifiers: ClinVar variation 1383268 (VCV001383268.8), dbSNP rs1451931405, ClinGen allele CA346467766.

ClinVar aggregate classification (germline): Uncertain significance (1 of 4 stars; one submission).

Conditions:
Neuroblastoma, susceptibility to, 3. Also called: ALK-Related Neuroblastic Tumor Susceptibility. Identifiers: Orphanet 635, MedGen C2751681, MONDO:0013083, OMIM 613014.

gnomAD v4.1: 1 of 1,614,204 alleles (0.000062%); highest among the groups gnomAD compares: Non-Finnish European, 0.000085%; no homozygotes.

Submission:

Labcorp Genetics (formerly Invitae), Labcorp
Classification: Uncertain significance for Neuroblastoma, susceptibility to, 3. Last evaluated: 2021-03-29. Review status: criteria provided, single submitter. Criteria: Invitae Variant Classification Sherloc (09022015). Collection method: clinical testing. Allele origin: germline.
Comment: In summary, the available evidence is currently insufficient to determine the role of this variant in disease. Therefore, it has been classified as a Variant of Uncertain Significance. Algorithms developed to predict the effect of missense changes on protein structure and function are either unavailable or do not agree on the potential impact of this missense change (SIFT: "Deleterious"; PolyPhen-2: "Probably Damaging"; Align-GVGD: "Class C0"). This variant has not been reported in the literature in individuals with ALK-related conditions. This variant is not present in population databases (ExAC no frequency). This sequence change replaces aspartic acid with valine at codon 993 of the ALK protein (p.Asp993Val). The aspartic acid residue is highly conserved and there is a large physicochemical difference between aspartic acid and valine.